The following is an entry in ClinVar:

ClinVar aggregate classification (germline): Conflicting classifications of pathogenicity. Review status: criteria provided, conflicting classifications (1 of 4 stars). 5 submissions from 5 submitters: Uncertain significance (2); Likely benign (3). Last evaluated 2026-09-16.

Conditions:
Cardiovascular phenotype. Identifiers: MedGen CN230736.
TTN-related disorder. Also called: TTN-related disorders; TTN-related condition; TTN-related disease.

Allele frequency attached by ClinVar (database versions not stated): ESP Exome Variant Server 0.00016; gnomAD 0.00017 and 0.00019; TOPMed 0.00020; gnomAD exomes 0.00002 and 0.00005; ExAC 0.00007.
gnomAD v4.1: 50 of 1,613,372 alleles (0.0031%); highest among the groups gnomAD compares: African/African-American, 0.059%; no homozygotes.

Submissions (5):

PreventionGenetics, part of Exact Sciences
Classification: Uncertain significance for TTN-related condition. Last evaluated: 2026-09-16. Review status: criteria provided, single submitter. Criteria: ACMG Guidelines, 2015. Collection method: clinical testing. Allele origin: germline.
Comment: The TTN c.98385T>G variant is predicted to result in the amino acid substitution p.Ser32795Arg. To our knowledge, this variant has not been reported in the literature. This variant is reported in 0.066% of alleles in individuals of African descent in gnomAD. At this time, the clinical significance of this variant is uncertain due to the absence of conclusive functional and genetic evidence.

Mayo Clinic Laboratories, Mayo Clinic
Classification: Likely benign. Last evaluated: 2025-09-16. Review status: criteria provided, single submitter. Criteria: ACMG Guidelines, 2015. Collection method: clinical testing. Allele origin: germline. Observed: 2 variant alleles.
Comment: BS1, BP4_moderate

Ambry Genetics
Classification: Likely benign for Cardiovascular phenotype. Last evaluated: 2020-09-17. Review status: criteria provided, single submitter. Criteria: Ambry Variant Classification Scheme 2023. Collection method: clinical testing. Allele origin: germline.

GeneDx
Classification: Likely benign. Last evaluated: 2020-02-06. Review status: criteria provided, single submitter. Criteria: GeneDx Variant Classification Process June 2021. Collection method: clinical testing. Allele origin: germline. Affected: yes.

Revvity Omics, Revvity
Classification: Uncertain significance. Last evaluated: 2019-12-16. Review status: criteria provided, single submitter. Criteria: ACMG Guidelines, 2015. Collection method: clinical testing. Allele origin: germline.

NM_001267550.2(TTN):c.98385T>G (p.Ser32795Arg)

Genes: TTN (titin; minus strand), TTN-AS1 (TTN antisense RNA 1; plus strand). Cytogenetic location: 2q31.2.
Variant type: single nucleotide variant.
Coding change: c.98385T>G on transcript NM_001267550.2 (MANE Select); coding-DNA position 98385, T replaced by G.
Protein change: p.Ser32795Arg; replaces serine 32795 with arginine.
Molecular consequence: missense variant. On other transcripts: non-coding transcript variant (1).
Genome position (GRCh38, 1-based): chr2:178,539,680, A>C on the plus strand (T>G on the coding strand, the complement: TTN is on the minus strand). VCF-style: chr2-178539680-A-C. GRCh37 (hg19) VCF-style: chr2-179404407-A-C.
Other names: p.Ser31154Arg; c.93462T>G, p.Ser31154Arg (NM_001256850.1); c.71190T>G, p.Ser23730Arg (NM_003319.4); c.90681T>G, p.Ser30227Arg (NM_133378.4); c.71565T>G, p.Ser23855Arg (NM_133432.3); c.71766T>G, p.Ser23922Arg (NM_133437.4); short protein forms S23730R, S23855R, S23922R, S30227R, S31154R, S32795R.
Identifiers: ClinVar variation 1187456 (VCV001187456.9), dbSNP rs373396567, ClinGen allele CA1986382.